The following is an entry in ClinVar:

ClinVar aggregate classification (germline): Uncertain significance. Review status: criteria provided, multiple submitters, no conflicts (2 of 4 stars). 2 submissions from 2 submitters: Uncertain significance (2). Last evaluated 2022-12-19.

Conditions:
Inborn genetic diseases. Identifiers: MedGen C0950123, MeSH D030342.
Nephronophthisis 18 (NPHP18). Identifiers: Orphanet 655, MedGen C3890591, MONDO:0014374, OMIM 615862.

Allele frequency attached by ClinVar (database versions not stated): ExAC 0.00001; gnomAD 0.00001; gnomAD exomes 0.00001; TOPMed 0.00001; ESP Exome Variant Server 0.00008.
gnomAD v4.1: 8 of 1,613,414 alleles (0.0005%); highest among the groups gnomAD compares: African/African-American, 0.0067%; no homozygotes.

Submissions (2):

Ambry Genetics
Classification: Uncertain significance for Inborn genetic diseases. Last evaluated: 2022-12-19. Review status: criteria provided, single submitter. Criteria: Ambry Variant Classification Scheme 2023. Collection method: clinical testing. Allele origin: germline.

Labcorp Genetics (formerly Invitae), Labcorp
Classification: Uncertain significance for Nephronophthisis 18. Last evaluated: 2022-07-06. Review status: criteria provided, single submitter. Criteria: Invitae Variant Classification Sherloc (09022015). Collection method: clinical testing. Allele origin: germline.
Comment: This sequence change replaces glutamine with glutamic acid at codon 425 of the CEP83 protein (p.Gln425Glu). The glutamine residue is moderately conserved and there is a small physicochemical difference between glutamine and glutamic acid. This variant is present in population databases (rs370718016, gnomAD 0.006%). This variant has not been reported in the literature in individuals affected with CEP83-related conditions. ClinVar contains an entry for this variant (Variation ID: 1015337). Algorithms developed to predict the effect of missense changes on protein structure and function are either unavailable or do not agree on the potential impact of this missense change (SIFT: "Not Available"; PolyPhen-2: "Benign"; Align-GVGD: "Not Available"). In summary, the available evidence is currently insufficient to determine the role of this variant in disease. Therefore, it has been classified as a Variant of Uncertain Significance.

NM_016122.3(CEP83):c.1273C>G (p.Gln425Glu)

Gene: CEP83 (centrosomal protein 83; minus strand). Cytogenetic location: 12q22.
Variant type: single nucleotide variant.
Coding change: c.1273C>G on transcript NM_016122.3 (MANE Select); coding-DNA position 1273, C replaced by G.
Protein change: p.Gln425Glu; replaces glutamine 425 with glutamic acid.
Molecular consequence: missense variant. On other transcripts: non-coding transcript variant (1).
Genome position (GRCh38, 1-based): chr12:94,367,864, G>C on the plus strand (C>G on the coding strand, the complement: CEP83 is on the minus strand). VCF-style: chr12-94367864-G-C. GRCh37 (hg19) VCF-style: chr12-94761640-G-C.
Other names: c.1273C>G, p.Gln425Glu (NM_001042399.2, NM_001346457.2, NM_001368037.1 and 1 more transcripts); c.961C>G, p.Gln321Glu (NM_001346458.2, NM_001346459.2, NM_001368039.1 and 1 more transcripts); c.1048C>G, p.Gln350Glu (NM_001368041.1); c.1273C>G (NM_016122.2); short protein forms Q321E, Q350E, Q425E.
Identifiers: ClinVar variation 1015337 (VCV001015337.9), dbSNP rs370718016, ClinGen allele CA6721691.